The following is an entry in ClinVar:

NM_020975.6(RET):c.1295_1296inv (p.Ala432Val)

Gene: RET (ret proto-oncogene; plus strand). Cytogenetic location: 10q11.21.
Variant type: Inversion.
Coding change: c.1295_1296inv on transcript NM_020975.6 (MANE Select).
Protein change: p.Ala432Val; replaces alanine 432 with valine.
Molecular consequence: missense variant.
Genome position: GRCh38 VCF-style: chr10-43111238-CA-TG. GRCh37 (hg19) VCF-style: chr10-43606686-CA-TG.
Other names: c.1295_1296invCA, p.Ala432Val (NM_001406765.1, NM_020629.2, NM_020630.7 and 6 more transcripts); c.1007_1008invCA, p.Ala336Val (NM_001406766.1, NM_001406767.1, NM_001406770.1); c.1295_1296delinsTG (NM_020975.4, NM_020975.6); c.1166_1167invCA, p.Ala389Val (NM_001406768.1, NM_001406761.1, NM_001406762.1 and 1 more transcripts); c.899_900invCA, p.Ala300Val (NM_001406769.1, NM_001406772.1); c.857_858invCA, p.Ala286Val (NM_001406771.1, NM_001406773.1); c.770_771invCA, p.Ala257Val (NM_001406774.1); c.569_570invCA, p.Ala190Val (NM_001406775.1, NM_001406776.1, NM_001406777.1 and 1 more transcripts); and 2 more; short protein forms A432V, A178V, A190V, A257V, A300V, A286V, A336V, A102V.
Identifiers: ClinVar variation 477312 (VCV000477312.15), ClinGen allele CA206261326.

ClinVar aggregate classification (germline): Conflicting classifications of pathogenicity. Review status: criteria provided, conflicting classifications (1 of 4 stars). 5 submissions from 5 submitters: Uncertain significance (4); Likely benign (1). Last evaluated 2025-07-02.

Conditions:
RET-related disorder. Also called: RET-related condition; RET-related disease; RET-related disorders.
Hereditary cancer-predisposing syndrome. Also called: Neoplastic Syndromes, Hereditary; Hereditary Cancer Syndrome; Hereditary neoplastic syndrome; Tumor predisposition. Identifiers: Orphanet 140162, MedGen C0027672, MeSH D009386, MONDO:0015356.
Multiple endocrine neoplasia, type 2 (MEN2). Identifiers: Orphanet 653, MedGen C4048306, MONDO:0019003. Disease mechanism: gain of function.

Submissions (5):

GeneDx
Classification: Uncertain significance. Last evaluated: 2025-07-02. Review status: criteria provided, single submitter. Criteria: GeneDx Variant Classification Process June 2021. Collection method: clinical testing. Allele origin: germline. Affected: yes.
Comment: In silico analysis suggests that this variant does not alter protein structure/function; Has not been previously published as pathogenic or benign to our knowledge; This variant is associated with the following publications: (PMID: 14633923, Huret2020[article])

Color Diagnostics, LLC DBA Color Health
Classification: Uncertain significance for Multiple endocrine neoplasia, type 2. Last evaluated: 2025-06-23. Review status: criteria provided, single submitter. Criteria: ACMG Guidelines, 2015. Collection method: clinical testing. Allele origin: germline.
Comment: This missense variant replaces alanine with valine at codon 432 of the RET protein. To our knowledge, functional studies have not been reported for this variant. This variant has not been reported in individuals affected with RET-related disorders in the literature. This variant has not been identified in the general population by the Genome Aggregation Database (gnomAD). The available evidence is insufficient to determine the role of this variant in disease conclusively. Therefore, this variant is classified as a Variant of Uncertain Significance.

Labcorp Genetics (formerly Invitae), Labcorp
Classification: Uncertain significance for Multiple endocrine neoplasia, type 2. Last evaluated: 2025-05-13. Review status: criteria provided, single submitter. Criteria: Invitae Variant Classification Sherloc (09022015). Collection method: clinical testing. Allele origin: germline.
Comment: This sequence change replaces alanine, which is neutral and non-polar, with valine, which is neutral and non-polar, at codon 432 of the RET protein (p.Ala432Val). This variant is present in population databases (rs386743165, gnomAD 0.002%). This variant has not been reported in the literature in individuals affected with RET-related conditions. ClinVar contains an entry for this variant (Variation ID: 477312). An algorithm developed to predict the effect of missense changes on protein structure and function (PolyPhen-2) suggests that this variant is likely to be tolerated. In summary, the available evidence is currently insufficient to determine the role of this variant in disease. Therefore, it has been classified as a Variant of Uncertain Significance.

PreventionGenetics, part of Exact Sciences
Classification: Uncertain significance for RET-related condition. Last evaluated: 2023-10-02. Review status: criteria provided, single submitter. Criteria: ACMG Guidelines, 2015. Collection method: clinical testing. Allele origin: germline.
Comment: The RET c.1295_1296delinsTG variant is predicted to result in an in-frame deletion and insertion. To our knowledge, this variant has not been reported in the literature or in a large population database, indicating this variant is rare. At this time, the clinical significance of this variant is uncertain due to the absence of conclusive functional and genetic evidence.

Ambry Genetics
Classification: Likely benign for Hereditary cancer-predisposing syndrome. Last evaluated: 2022-10-14. Review status: criteria provided, single submitter. Criteria: Ambry Variant Classification Scheme 2023. Collection method: clinical testing. Allele origin: germline.